The following is an entry in ClinVar:

NM_001378454.1(ALMS1):c.11668+119A>G

Gene: ALMS1 (ALMS1 centrosome and basal body associated protein; plus strand). Cytogenetic location: 2p13.1.
Variant type: single nucleotide variant.
Coding change: c.11668+119A>G on transcript NM_001378454.1 (MANE Select); 119 bases into the intron after coding-DNA position 11668, A replaced by G.
Molecular consequence: intron variant.
Genome position (GRCh38, 1-based): chr2:73,599,640, A>G. VCF-style: chr2-73599640-A-G. GRCh37 (hg19) VCF-style: chr2-73826767-A-G.
Other names: c.11668+119A>G (NM_015120.4); c.11671+119A>G (NM_015120.4).
Identifiers: ClinVar variation 677829 (VCV000677829.2), dbSNP rs11901974, ClinGen allele CA50336311.

ClinVar aggregate classification (germline): Benign. Review status: criteria provided, multiple submitters, no conflicts (2 of 4 stars). 2 submissions from 2 submitters: Benign (2). Last evaluated 2018-06-16.

Allele frequency attached by ClinVar (database versions not stated): gnomAD exomes 0.00245; gnomAD 0.02518 and 0.02703; 1000 Genomes Project 0.02756; TOPMed 0.02781; 1000 Genomes Project 30x 0.03045.
gnomAD v4.1: 6,607 of 1,234,436 alleles (0.54%); highest among the groups gnomAD compares: African/African-American, 8.6%; 264 homozygotes.

Submissions (2):

GeneDx
Classification: Benign. Last evaluated: 2018-06-16. Review status: criteria provided, single submitter. Criteria: GeneDx Variant Classification (06012015). Collection method: clinical testing. Allele origin: germline. Affected: yes.
Comment: This variant is considered likely benign or benign based on one or more of the following criteria: it is a conservative change, it occurs at a poorly conserved position in the protein, it is predicted to be benign by multiple in silico algorithms, and/or has population frequency not consistent with disease.

Breakthrough Genomics
Classification: Benign. Review status: criteria provided, single submitter. Criteria: ACMG Guidelines, 2015. Collection method: not provided. Allele origin: germline. Inheritance: Autosomal recessive inheritance. Affected: yes.